The following is an entry in ClinVar:

NM_030632.3(ASXL3):c.6108C>A (p.Pro2036=)

Gene: ASXL3 (ASXL transcriptional regulator 3; plus strand). Cytogenetic location: 18q12.1.
Variant type: single nucleotide variant.
Coding change: c.6108C>A on transcript NM_030632.3 (MANE Select); coding-DNA position 6108, C replaced by A.
Protein change: p.Pro2036=; no amino-acid change (proline 2036 retained).
Molecular consequence: synonymous variant.
Genome position (GRCh38, 1-based): chr18:33,745,956, C>A. VCF-style: chr18-33745956-C-A. GRCh37 (hg19) VCF-style: chr18-31325920-C-A.
Identifiers: ClinVar variation 2648665 (VCV002648665.24), dbSNP rs570649910, ClinGen allele CA503771550.
Genomic context (GRCh38, chr18:33,745,956, plus strand): 5'-TCCGCCGCCGCCACCGCCTCCCCCTCCCCCTCCACCCTTGGCTTTGCCCCCGCCTCCCCC[C>A]CCACCACCTCCGCTACCTCCACCTCTCCCTAATGCAGAAGTCCCATCTGATCAAAAACAA-3'
Protein context (NP_085135.1, residues 2026-2046): PPPLALPPPP[Pro2036=]PPPPLPPPLP

ClinVar aggregate classification (germline): Likely benign (1 of 4 stars; one submission).

gnomAD v4.1: 30 of 1,536,024 alleles (0.002%); highest among the groups gnomAD compares: Middle Eastern, 0.018%; 1 homozygote.

Submission:

CeGaT Center for Human Genetics Tuebingen
Classification: Likely benign. Last evaluated: 2022-06-01. Review status: criteria provided, single submitter. Criteria: CeGaT Center For Human Genetics Tuebingen Variant Classification Criteria Version 2. Collection method: clinical testing. Allele origin: germline. Affected: yes. Observed: 1 variant allele.
Comment: ASXL3: BP4, BP7